The following is an entry in ClinVar:

ClinVar aggregate classification (germline): Uncertain significance. Review status: criteria provided, multiple submitters, no conflicts (2 of 4 stars). 2 submissions from 2 submitters: Uncertain significance (2). Last evaluated 2025-09-17.

Conditions:
Charcot-Marie-Tooth disease dominant intermediate B (CMTDIB). Also called: CHARCOT-MARIE-TOOTH NEUROPATHY, DOMINANT INTERMEDIATE B; Charcot-Marie-Tooth disease dominant intermediate 1; CMT DI1; Charcot-Marie-Tooth disease dominant intermediate I. Identifiers: Orphanet 100044, Orphanet 228179, MedGen C1847902, MONDO:0011674, OMIM 606482.

Allele frequency attached by ClinVar (database versions not stated): TOPMed below 0.00001.

Submissions (2):

Labcorp Genetics (formerly Invitae), Labcorp
Classification: Uncertain significance for Charcot-Marie-Tooth disease dominant intermediate B. Last evaluated: 2025-09-17. Review status: criteria provided, single submitter. Criteria: Invitae Variant Classification Sherloc (09022015). Collection method: clinical testing. Allele origin: germline.
Comment: This sequence change replaces serine, which is neutral and polar, with cysteine, which is neutral and slightly polar, at codon 261 of the DNM2 protein (p.Ser261Cys). This variant is not present in population databases (gnomAD no frequency). This variant has not been reported in the literature in individuals affected with DNM2-related conditions. ClinVar contains an entry for this variant (Variation ID: 969599). Invitae Evidence Modeling of protein sequence and biophysical properties (such as structural, functional, and spatial information, amino acid conservation, physicochemical variation, residue mobility, and thermodynamic stability) has been performed for this missense variant. However, the output from this modeling did not meet the statistical confidence thresholds required to predict the impact of this variant on DNM2 protein function. In summary, the available evidence is currently insufficient to determine the role of this variant in disease. Therefore, it has been classified as a Variant of Uncertain Significance.

Women's Health and Genetics/Laboratory Corporation of America, LabCorp
Classification: Uncertain significance. Last evaluated: 2023-11-03. Review status: criteria provided, single submitter. Criteria: LabCorp Variant Classification Summary - May 2015. Collection method: clinical testing. Allele origin: germline.
Comment: Variant summary: DNM2 c.782C>G (p.Ser261Cys) results in a non-conservative amino acid change located in the Dynamin, GTPase domain (IPR001401) of the encoded protein sequence. Five of five in-silico tools predict a damaging effect of the variant on protein function. The variant was absent in 250676 control chromosomes. The available data on variant occurrences in the general population are insufficient to allow any conclusion about variant significance. To our knowledge, no occurrence of c.782C>G in individuals affected with Autosomal Dominant Centronuclear Myopathy and no experimental evidence demonstrating its impact on protein function have been reported. One submitter has cited clinical-significance assessments for this variant to ClinVar after 2014 and has classified the variant as uncertain significance. Based on the evidence outlined above, the variant was classified as uncertain significance.

NM_001005361.3(DNM2):c.782C>G (p.Ser261Cys)

Gene: DNM2 (dynamin 2; plus strand). Cytogenetic location: 19p13.2.
Variant type: single nucleotide variant.
Coding change: c.782C>G on transcript NM_001005361.3 (MANE Select); coding-DNA position 782, C replaced by G.
Protein change: p.Ser261Cys; replaces serine 261 with cysteine.
Molecular consequence: missense variant.
Genome position (GRCh38, 1-based): chr19:10,783,053, C>G. VCF-style: chr19-10783053-C-G. GRCh37 (hg19) VCF-style: chr19-10893729-C-G.
Other names: c.782C>G, p.Ser261Cys (NM_004945.4, NM_001005360.3, NM_001005362.3 and 1 more transcripts); short protein forms S261C.
Identifiers: ClinVar variation 969599 (VCV000969599.9), dbSNP rs2071430985, ClinGen allele CA404045292.